The following is an entry in ClinVar:

ClinVar aggregate classification (germline): Benign. Review status: criteria provided, multiple submitters, no conflicts (2 of 4 stars). 3 submissions from 3 submitters: Benign (3). Last evaluated 2026-02-02.

Conditions:
Iodotyrosyl coupling defect (TDH3). Also called: HYPOTHYROIDISM, CONGENITAL, DUE TO DYSHORMONOGENESIS, 3; THYROID HORMONOGENESIS, GENETIC DEFECT IN, 3. Identifiers: Orphanet 95716, MedGen C0342194, MONDO:0010135, OMIM 274700.

Allele frequency attached by ClinVar (database versions not stated): ExAC 0.00619; gnomAD 0.01889 and 0.02022; 1000 Genomes Project 0.02137; TOPMed 0.02141; ESP Exome Variant Server 0.02330; 1000 Genomes Project 30x 0.02420.
gnomAD v4.1: 5,682 of 1,614,148 alleles (0.35%); highest among the groups gnomAD compares: African/African-American, 6.5%; 175 homozygotes.

Submissions (3):

Labcorp Genetics (formerly Invitae), Labcorp
Classification: Benign. Last evaluated: 2026-02-02. Review status: criteria provided, single submitter. Criteria: Invitae Variant Classification Sherloc (09022015). Collection method: clinical testing. Allele origin: germline.

Illumina Laboratory Services, Illumina
Classification: Benign for Iodotyrosyl coupling defect. Last evaluated: 2017-10-12. Review status: criteria provided, single submitter. Criteria: ICSL Variant Classification Criteria 13 December 2019. Collection method: clinical testing. Allele origin: germline.
Comment: This variant was observed as part of a predisposition screen in an ostensibly healthy population. A literature search was performed for the gene, cDNA change, and amino acid change (where applicable). No publications were found based on this search. Allele frequency data from public databases was too high to be consistent with this variant causing disease. Therefore, this variant is classified as benign.

Breakthrough Genomics
Classification: Benign. Review status: criteria provided, single submitter. Criteria: ACMG Guidelines, 2015. Collection method: not provided. Allele origin: germline. Inheritance: Autosomal recessive inheritance. Affected: yes.

NM_003235.5(TG):c.6984C>G (p.Leu2328=)

Gene: TG (thyroglobulin; plus strand). Cytogenetic location: 8q24.22.
Variant type: single nucleotide variant.
Coding change: c.6984C>G on transcript NM_003235.5 (MANE Select); coding-DNA position 6984, C replaced by G.
Protein change: p.Leu2328=; no amino-acid change (leucine 2328 retained).
Molecular consequence: synonymous variant.
Genome position (GRCh38, 1-based): chr8:133,022,098, C>G. VCF-style: chr8-133022098-C-G. GRCh37 (hg19) VCF-style: chr8-134034343-C-G.
Identifiers: ClinVar variation 778406 (VCV000778406.12), dbSNP rs61745590, ClinGen allele CA4885091.